The following is an entry in ClinVar:

ClinVar aggregate classification (germline): Uncertain significance (1 of 4 stars; one submission).

Conditions:
Hypoinsulinemic hypoglycemia and body hemihypertrophy. Also called: Hypoinsulinemic hypoglycemia and hemihypertrophy. Identifiers: Orphanet 293964, MedGen C3278384, MONDO:0009416, OMIM 240900.

Submission:

Clinical Genomics Laboratory, Washington University in St. Louis
Classification: Uncertain significance for Hypoinsulinemic hypoglycemia and body hemihypertrophy. Last evaluated: 2025-10-07. Review status: criteria provided, single submitter. Criteria: ACMG Guidelines, 2015. Collection method: clinical testing. Allele origin: germline.
Comment: An AKT2 c.1246G>T (p.Asp416Tyr) variant was identified at a heterozygous allelic fraction of 51%, a frequency which may be consistent with it being of germline origin. This variant, to our knowledge, has not been reported in the medical literature or ClinVar database. It is absent from the general population (gnomAD v4.1.0), indicating it is not a common variant. Computational predictors are uncertain as to the impact of this variant on AKT2 function. Due to limited information, and based on ACMG/AMP guidelines for variant interpretation (Richards S et al., PMID: 25741868), the clinical significance of this variant is uncertain at this time.

NM_001626.6(AKT2):c.1246G>T (p.Asp416Tyr)

Gene: AKT2 (AKT serine/threonine kinase 2; minus strand). Cytogenetic location: 19q13.2.
Variant type: single nucleotide variant.
Coding change: c.1246G>T on transcript NM_001626.6 (MANE Select); coding-DNA position 1246, G replaced by T.
Protein change: p.Asp416Tyr; replaces aspartic acid 416 with tyrosine.
Molecular consequence: missense variant.
Genome position (GRCh38, 1-based): chr19:40,235,280, C>A on the plus strand (G>T on the coding strand, the complement: AKT2 is on the minus strand). VCF-style: chr19-40235280-C-A. GRCh37 (hg19) VCF-style: chr19-40741187-C-A.
Other names: c.1060G>T, p.Asp354Tyr (NM_001243027.3, NM_001243028.3); c.1117G>T, p.Asp373Tyr (NM_001330511.1); short protein forms D416Y, D354Y, D373Y.
Identifiers: ClinVar variation 4974682 (VCV004974682.1).